The following is an entry in ClinVar:

ClinVar aggregate classification (germline): Uncertain significance (1 of 4 stars; one submission).

Submission:

Labcorp Genetics (formerly Invitae), Labcorp
Classification: Uncertain significance. Last evaluated: 2024-07-08. Review status: criteria provided, single submitter. Criteria: Invitae Variant Classification Sherloc (09022015). Collection method: clinical testing. Allele origin: germline.
Comment: This sequence change replaces valine, which is neutral and non-polar, with leucine, which is neutral and non-polar, at codon 629 of the CTNNA1 protein (p.Val629Leu). This variant is not present in population databases (gnomAD no frequency). This variant has not been reported in the literature in individuals affected with CTNNA1-related conditions. Advanced modeling of protein sequence and biophysical properties (such as structural, functional, and spatial information, amino acid conservation, physicochemical variation, residue mobility, and thermodynamic stability) performed at Invitae indicates that this missense variant is not expected to disrupt CTNNA1 protein function with a negative predictive value of 80%. In summary, the available evidence is currently insufficient to determine the role of this variant in disease. Therefore, it has been classified as a Variant of Uncertain Significance.

NM_001903.5(CTNNA1):c.1885G>T (p.Val629Leu)

Gene: CTNNA1 (catenin alpha 1; plus strand). Cytogenetic location: 5q31.2.
Variant type: single nucleotide variant.
Coding change: c.1885G>T on transcript NM_001903.5 (MANE Select); coding-DNA position 1885, G replaced by T.
Protein change: p.Val629Leu; replaces valine 629 with leucine.
Molecular consequence: missense variant.
Genome position (GRCh38, 1-based): chr5:138,925,393, G>T. VCF-style: chr5-138925393-G-T. GRCh37 (hg19) VCF-style: chr5-138261082-G-T.
Other names: c.1885G>T, p.Val629Leu (NM_001290307.3, NM_001323982.2, NM_001323983.1 and 2 more transcripts); c.1576G>T, p.Val526Leu (NM_001290309.3); c.1516G>T, p.Val506Leu (NM_001290310.3); c.775G>T, p.Val259Leu (NM_001290312.1, NM_001323987.1, NM_001323988.1 and 17 more transcripts); c.1792G>T, p.Val598Leu (NM_001323986.2); c.436G>T, p.Val146Leu (NM_001324007.1, NM_001324008.1, NM_001324009.1 and 2 more transcripts); c.682G>T, p.Val228Leu (NM_001324011.1); c.532G>T, p.Val178Leu (NM_001324012.1, NM_001324013.1); short protein forms V259L, V526L, V506L, V146L, V598L, V629L, V178L, V228L.
Identifiers: ClinVar variation 2745679 (VCV002745679.3), dbSNP rs2150295866, ClinGen allele CA361132421.